The following is an entry in ClinVar:

ClinVar aggregate classification (germline): Uncertain significance. Review status: criteria provided, multiple submitters, no conflicts (2 of 4 stars). 2 submissions from 2 submitters: Uncertain significance (2). Last evaluated 2024-04-17.

Conditions:
GRACILE syndrome (FLNMS). Also called: FELLMAN SYNDROME; FINNISH LETHAL NEONATAL METABOLIC SYNDROME. Identifiers: Orphanet 53693, MedGen C1864002, MONDO:0011308, OMIM 603358.
Mitochondrial complex III deficiency nuclear type 1. Identifiers: Orphanet 254902, MedGen C3541471, MONDO:0007415, OMIM 124000.
Pili torti-deafness syndrome (BJS). Also called: PILI TORTI AND NERVE DEAFNESS; Bjornstad syndrome. Identifiers: Orphanet 123, MedGen C0266006, MONDO:0009872, OMIM 262000.

Allele frequency attached by ClinVar (database versions not stated): gnomAD exomes below 0.00001; ExAC 0.00001; gnomAD 0.00002; TOPMed 0.00003.
gnomAD v4.1: 3 of 1,614,094 alleles (0.00019%); highest among the groups gnomAD compares: African/African-American, 0.004%; no homozygotes.

Submissions (2):

Fulgent Genetics
Classification: Uncertain significance for Mitochondrial complex III deficiency nuclear type 1; Pili torti-deafness syndrome; GRACILE syndrome. Last evaluated: 2024-04-17. Review status: criteria provided, single submitter. Criteria: ACMG Guidelines, 2015. Collection method: clinical testing. Allele origin: germline.

Labcorp Genetics (formerly Invitae), Labcorp
Classification: Uncertain significance. Last evaluated: 2024-02-24. Review status: criteria provided, single submitter. Criteria: Invitae Variant Classification Sherloc (09022015). Collection method: clinical testing. Allele origin: germline.
Comment: This sequence change replaces phenylalanine, which is neutral and non-polar, with leucine, which is neutral and non-polar, at codon 137 of the BCS1L protein (p.Phe137Leu). This variant is present in population databases (rs769358314, gnomAD 0.008%). This variant has not been reported in the literature in individuals affected with BCS1L-related conditions. ClinVar contains an entry for this variant (Variation ID: 1358103). Advanced modeling of protein sequence and biophysical properties (such as structural, functional, and spatial information, amino acid conservation, physicochemical variation, residue mobility, and thermodynamic stability) performed at Invitae indicates that this missense variant is not expected to disrupt BCS1L protein function with a negative predictive value of 95%. In summary, the available evidence is currently insufficient to determine the role of this variant in disease. Therefore, it has been classified as a Variant of Uncertain Significance.

NM_001079866.2(BCS1L):c.409T>C (p.Phe137Leu)

Gene: BCS1L (BCS1 ubiquinol-cytochrome c reductase complex chaperone; plus strand). Cytogenetic location: 2q35.
Variant type: single nucleotide variant.
Coding change: c.409T>C on transcript NM_001079866.2 (MANE Select); coding-DNA position 409, T replaced by C.
Protein change: p.Phe137Leu; replaces phenylalanine 137 with leucine.
Molecular consequence: missense variant. On other transcripts: 5 prime UTR variant (5), non-coding transcript variant (1), intron variant (1).
Genome position (GRCh38, 1-based): chr2:218,661,494, T>C. VCF-style: chr2-218661494-T-C. GRCh37 (hg19) VCF-style: chr2-219526217-T-C.
Other names: c.409T>C, p.Phe137Leu (NM_001257342.2, NM_001257343.2, NM_001257344.2 and 10 more transcripts); c.49T>C, p.Phe17Leu (NM_001318836.2, NM_001371451.1); c.-68T>C (NM_001371453.1, NM_001371454.1, NM_001371455.1 and 2 more transcripts); c.-41-265T>C (NM_001371452.1); short protein forms F137L, F17L.
Identifiers: ClinVar variation 1358103 (VCV001358103.6), dbSNP rs769358314, ClinGen allele CA2109659.